The following is an entry in ClinVar:

NM_201253.3(CRB1):c.3879G>A (p.Trp1293Ter)

Gene: CRB1 (crumbs cell polarity complex component 1; plus strand). Cytogenetic location: 1q31.3.
Variant type: single nucleotide variant.
Coding change: c.3879G>A on transcript NM_201253.3 (MANE Select); coding-DNA position 3879, G replaced by A.
Protein change: p.Trp1293Ter; replaces tryptophan 1293 with a stop codon.
Molecular consequence: nonsense. On other transcripts: non-coding transcript variant (2).
Genome position (GRCh38, 1-based): chr1:197,442,166, G>A. VCF-style: chr1-197442166-G-A. GRCh37 (hg19) VCF-style: chr1-197411296-G-A.
Other names: NP_957705.1:p.(Trp1293Ter); c.3543G>A, p.Trp1181Ter (NM_001193640.2); c.3807G>A, p.Trp1269Ter (NM_001257965.2); c.2271G>A, p.Trp757Ter (NM_001257966.2); short protein forms W1293*, W1269*, W1181*, W757*.
Identifiers: ClinVar variation 99902 (VCV000099902.13), dbSNP rs281865174, ClinGen allele CA228044.
Genomic context (GRCh38, chr1:197,442,166, plus strand): 5'-ATTTCACAACCAATGTATTCAACAGGGACCTGGGTTTCTGCTGTTCTGTTTATTTTGAAG[G>A]TGTGAAAAGGACATTGATGAGTGTGCCTCTGATCCGTGTGTCAATGGAGGTCTGTGCCAG-3'

ClinVar aggregate classification (germline): Pathogenic. Review status: criteria provided, multiple submitters, no conflicts (2 of 4 stars). 6 submissions from 6 submitters: Pathogenic (4). 2 of the submissions do not count toward it. Last evaluated 2025-07-21.

Conditions:
Leber congenital amaurosis 8 (LCA8). Identifiers: Orphanet 65, MedGen C3151202, MONDO:0013453, OMIM 613835.
Retinitis pigmentosa 12 (RP12). Also called: RETINITIS PIGMENTOSA WITH OR WITHOUT PARAARTERIOLAR PRESERVATION OF RETINAL PIGMENT EPITHELIUM; RP WITH OR WITHOUT PPRPE; RP WITH OR WITHOUT PRESERVED PARAARTERIOLE RETINAL PIGMENT EPITHELIUM. Identifiers: Orphanet 791, MedGen C1838647, MONDO:0010818, OMIM 600105.
Retinal dystrophy. Also called: Inherited retinal dystrophy. Identifiers: Orphanet 71862, MedGen C0854723, MeSH D058499, MONDO:0019118, HP:0000556.
Leber congenital amaurosis (LCA). Also called: Leber's amaurosis. Identifiers: Orphanet 65, MedGen C0339527, MeSH D057130, MONDO:0018998.

gnomAD v4.1: 1 of 1,614,080 alleles (0.000062%); highest among the groups gnomAD compares: Non-Finnish European, 0.000085%; no homozygotes.

Submissions (6):

Natera, Inc.
Classification: Pathogenic for Leber congenital amaurosis. Last evaluated: 2025-07-21. Review status: criteria provided, single submitter. Criteria: Natera Variant Classification Schema (03/2026). Collection method: clinical testing. Allele origin: germline.
Comment: The c.3879G>A variant in CRB1 is a nonsense variant predicted to introduce a stop codon at amino acid 1293. This variant is expected to result in nonsense mediated decay, truncation, or a dysfunctional protein product. This variant is rare in the general population with a frequency below the threshold expected for the associated phenotype(s). This variant has been observed in one or more individuals affected with the associated recessive disease, as either homozygous or compound heterozygous with a second variant (PMID: 38088826). Given the available evidence, this variant is classified as Pathogenic.

Ophthalmic Genetics Group, Institute of Molecular and Clinical Ophthalmology Basel
Classification: Pathogenic for Retinal dystrophy. Last evaluated: 2024-05-27. Review status: criteria provided, single submitter. Criteria: ACMG Guidelines, 2015. Collection method: research. Allele origin: germline. Affected: yes. Observed: 1 variant allele.
Comment: This variant was classified as Pathogenic based on ACMG criteria: PVS1_very strong, PS4_mod and PM2_mod

Labcorp Genetics (formerly Invitae), Labcorp
Classification: Pathogenic for Leber congenital amaurosis 8; Retinitis pigmentosa 12. Last evaluated: 2023-07-17. Review status: criteria provided, single submitter. Criteria: Invitae Variant Classification Sherloc (09022015). Collection method: clinical testing. Allele origin: germline.
Comment: Algorithms developed to predict the effect of sequence changes on RNA splicing suggest that this variant may disrupt the consensus splice site. For these reasons, this variant has been classified as Pathogenic. ClinVar contains an entry for this variant (Variation ID: 99902). This premature translational stop signal has been observed in individual(s) with Leber congenital amaurosis (PMID: 15024725). This variant is not present in population databases (gnomAD no frequency). This sequence change creates a premature translational stop signal (p.Trp1293*) in the CRB1 gene. It is expected to result in an absent or disrupted protein product. Loss-of-function variants in CRB1 are known to be pathogenic (PMID: 10508521, 22065545, 23379534, 25412400, 26957898, 28041643, 29391521).

Baylor Genetics
Classification: Pathogenic for Leber congenital amaurosis 8. Last evaluated: 2023-06-03. Review status: criteria provided, single submitter. Criteria: ACMG Guidelines, 2015. Collection method: clinical testing. Allele origin: unknown.

Laboratory of Genetics in Ophthalmology, Institut Imagine
Classification: Pathogenic for Leber congenital amaurosis 8. Review status: no assertion criteria provided. Collection method: research. Allele origin: inherited. Affected: yes. Observed: 2 variant alleles. Not counted in ClinVar's aggregate classification.

Retina International
No classification provided. Review status: no classification provided. Collection method: not provided. Allele origin: not provided. Not counted in ClinVar's aggregate classification.

Literature cited by the submitters: PubMed 38088826 (cited by Natera, Inc.); PubMed 15024725 (cited by 3 submitters); PubMed 40180963 (cited by Ophthalmic Genetics Group, Institute of Molecular and Clinical Ophthalmology Basel); PubMed 10508521 (cited by Labcorp Genetics (formerly Invitae), Labcorp); PubMed 22065545 (cited by Labcorp Genetics (formerly Invitae), Labcorp); PubMed 23379534 (cited by Labcorp Genetics (formerly Invitae), Labcorp); PubMed 25412400 (cited by Labcorp Genetics (formerly Invitae), Labcorp); PubMed 26957898 (cited by Labcorp Genetics (formerly Invitae), Labcorp); PubMed 28041643 (cited by Labcorp Genetics (formerly Invitae), Labcorp); PubMed 29391521 (cited by Labcorp Genetics (formerly Invitae), Labcorp).